The following is an entry in ClinVar:

NM_001384900.1(SEMA3D):c.1769-3C>T

Gene: SEMA3D (semaphorin 3D; minus strand). Cytogenetic location: 7q21.11.
Variant type: single nucleotide variant.
Coding change: c.1769-3C>T on transcript NM_001384900.1 (MANE Select); 3 bases into the intron before coding-DNA position 1769, C replaced by T.
Molecular consequence: intron variant.
Genome position (GRCh38, 1-based): chr7:85,006,944, G>A on the plus strand (C>T on the coding strand, the complement: SEMA3D is on the minus strand). VCF-style: chr7-85006944-G-A. GRCh37 (hg19) VCF-style: chr7-84636260-G-A.
Other names: NC_000007.13:g.84636260G>A; c.1769-3C>T (NM_001384901.1, NM_001384903.1, NM_001384902.1 and 2 more transcripts).
Identifiers: ClinVar variation 4340146 (VCV004340146.2).

ClinVar aggregate classification (germline): Likely benign (1 of 4 stars; one submission).

Conditions:
SEMA3D-related disorder. Also called: SEMA3D-related condition.

gnomAD v4.1: 1 of 1,606,818 alleles (0.000062%); no homozygotes.

Submissions (2):

PreventionGenetics, part of Exact Sciences
Classification: Likely benign for SEMA3D-related condition. Last evaluated: 2024-11-01. Review status: criteria provided, single submitter. Criteria: ACMG Guidelines, 2015. Collection method: clinical testing. Allele origin: germline.
Comment: This variant is classified as likely benign based on ACMG/AMP sequence variant interpretation guidelines (Richards et al. 2015 PMID: 25741868, with internal and published modifications).

Dr. Peter K. Rogan Lab, Western University
No classification provided (evidence only). Condition: Nonpapillary renal cell carcinoma. Review status: no classification provided. Collection method: in vitro. Allele origin: not applicable. Functional consequence: retained intron. Not counted in ClinVar's aggregate classification.